The following is an entry in ClinVar:

NM_013247.5(HTRA2):c.107G>A (p.Arg36Gln)

Gene: HTRA2 (HtrA serine peptidase 2; plus strand). Cytogenetic location: 2p13.1.
Variant type: single nucleotide variant.
Coding change: c.107G>A on transcript NM_013247.5 (MANE Select); coding-DNA position 107, G replaced by A.
Protein change: p.Arg36Gln; replaces arginine 36 with glutamine.
Molecular consequence: missense variant. On other transcripts: non-coding transcript variant (1).
Genome position (GRCh38, 1-based): chr2:74,530,113, G>A. VCF-style: chr2-74530113-G-A. GRCh37 (hg19) VCF-style: chr2-74757240-G-A.
Other names: c.107G>A, p.Arg36Gln (NM_001321727.1, NM_001321728.1, NM_145074.2); short protein forms R36Q.
Identifiers: ClinVar variation 1413959 (VCV001413959.8), dbSNP rs1192178327, ClinGen allele CA347375765.

ClinVar aggregate classification (germline): Uncertain significance (1 of 4 stars; one submission).

Allele frequency attached by ClinVar (database versions not stated): gnomAD exomes below 0.00001; TOPMed below 0.00001.
gnomAD v4.1: 1 of 1,609,386 alleles (0.000062%); highest among the groups gnomAD compares: Non-Finnish European, 0.000085%; no homozygotes.

Submission:

Labcorp Genetics (formerly Invitae), Labcorp
Classification: Uncertain significance. Last evaluated: 2024-10-21. Review status: criteria provided, single submitter. Criteria: Invitae Variant Classification Sherloc (09022015). Collection method: clinical testing. Allele origin: germline.
Comment: This sequence change replaces arginine, which is basic and polar, with glutamine, which is neutral and polar, at codon 36 of the HTRA2 protein (p.Arg36Gln). This variant is not present in population databases (gnomAD no frequency). This variant has not been reported in the literature in individuals affected with HTRA2-related conditions. ClinVar contains an entry for this variant (Variation ID: 1413959). An algorithm developed to predict the effect of missense changes on protein structure and function outputs the following: PolyPhen-2: "Benign". The glutamine amino acid residue is found in multiple mammalian species, which suggests that this missense change does not adversely affect protein function. In summary, the available evidence is currently insufficient to determine the role of this variant in disease. Therefore, it has been classified as a Variant of Uncertain Significance.